The following is an entry in ClinVar:

ClinVar aggregate classification (germline): Uncertain significance. Review status: criteria provided, multiple submitters, no conflicts (2 of 4 stars). 2 submissions from 2 submitters: Uncertain significance (2). Last evaluated 2024-02-05.

Conditions:
Fanconi anemia complementation group E (FANCE). Also called: FANCE-Related Fanconi Anemia. Identifiers: Orphanet 84, MedGen C3160739, MONDO:0010953, OMIM 600901.

Submissions (2):

Fulgent Genetics
Classification: Uncertain significance for Fanconi anemia complementation group E. Last evaluated: 2024-02-05. Review status: criteria provided, single submitter. Criteria: ACMG Guidelines, 2015. Collection method: clinical testing. Allele origin: germline.

Labcorp Genetics (formerly Invitae), Labcorp
Classification: Uncertain significance for Fanconi anemia complementation group E. Last evaluated: 2022-12-08. Review status: criteria provided, single submitter. Criteria: Invitae Variant Classification Sherloc (09022015). Collection method: clinical testing. Allele origin: germline.
Comment: This sequence change replaces arginine, which is basic and polar, with glycine, which is neutral and non-polar, at codon 381 of the FANCE protein (p.Arg381Gly). In summary, the available evidence is currently insufficient to determine the role of this variant in disease. Therefore, it has been classified as a Variant of Uncertain Significance. Advanced modeling of protein sequence and biophysical properties (such as structural, functional, and spatial information, amino acid conservation, physicochemical variation, residue mobility, and thermodynamic stability) performed at Invitae indicates that this missense variant is expected to disrupt FANCE protein function. This variant has not been reported in the literature in individuals affected with FANCE-related conditions. This variant is present in population databases (no rsID available, gnomAD 0.02%).

NM_021922.3(FANCE):c.1141C>G (p.Arg381Gly)

Gene: FANCE (FA complementation group E; plus strand). Cytogenetic location: 6p21.31.
Variant type: single nucleotide variant.
Coding change: c.1141C>G on transcript NM_021922.3 (MANE Select); coding-DNA position 1141, C replaced by G.
Protein change: p.Arg381Gly; replaces arginine 381 with glycine.
Molecular consequence: missense variant.
Genome position (GRCh38, 1-based): chr6:35,459,358, C>G. VCF-style: chr6-35459358-C-G. GRCh37 (hg19) VCF-style: chr6-35427135-C-G.
Other names: c.1141C>G, p.Arg381Gly (NM_001410876.1); short protein forms R381G.
Identifiers: ClinVar variation 1942854 (VCV001942854.6), dbSNP rs371020401, ClinGen allele CA137300968.